The following is an entry in ClinVar:

NM_033310.3(KCNK4):c.998C>T (p.Thr333Met)

Genes: KCNK4 (potassium two pore domain channel subfamily K member 4; plus strand), KCNK4-CATSPERZ (KCNK4-CATSPERZ readthrough (NMD candidate); plus strand). Cytogenetic location: 11q13.1.
Variant type: single nucleotide variant.
Coding change: c.998C>T on transcript NM_033310.3 (MANE Select); coding-DNA position 998, C replaced by T.
Protein change: p.Thr333Met; replaces threonine 333 with methionine.
Molecular consequence: missense variant. On other transcripts: non-coding transcript variant (3).
Genome position (GRCh38, 1-based): chr11:64,299,542, C>T. VCF-style: chr11-64299542-C-T. GRCh37 (hg19) VCF-style: chr11-64067014-C-T.
Other names: c.998C>T, p.Thr333Met (NM_001317090.2); short protein forms T333M.
Identifiers: ClinVar variation 4760738 (VCV004760738.1).
Genomic context (GRCh38, chr11:64,299,542, plus strand): 5'-CGCTGGGCAGGCCCCGATCCCCTTCGCCCCCCGAGAAGGCTCAGCCGCCTTCCCCGCCCA[C>T]GGCCTCGGCCCTGGATTATCCCAGCGAGAACCTGGCCTTCATCGACGAGTCCTCGGATAC-3'
Protein context (NP_201567.1, residues 323-343): PEKAQPPSPP[Thr333Met]ASALDYPSEN

ClinVar aggregate classification (germline): Uncertain significance (1 of 4 stars; one submission).

Submission:

Labcorp Genetics (formerly Invitae), Labcorp
Classification: Uncertain significance. Last evaluated: 2025-04-01. Review status: criteria provided, single submitter. Criteria: Invitae Variant Classification Sherloc (09022015). Collection method: clinical testing. Allele origin: germline.
Comment: This sequence change replaces threonine, which is neutral and polar, with methionine, which is neutral and non-polar, at codon 333 of the KCNK4 protein (p.Thr333Met). This variant is not present in population databases (gnomAD no frequency). This variant has not been reported in the literature in individuals affected with KCNK4-related conditions. An algorithm developed to predict the effect of missense changes on protein structure and function (PolyPhen-2) suggests that this variant is likely to be disruptive. In summary, the available evidence is currently insufficient to determine the role of this variant in disease. Therefore, it has been classified as a Variant of Uncertain Significance.